The following is an entry in ClinVar:

NM_001127511.3(APC):c.64C>T (p.Leu22Phe)

Gene: APC (APC regulator of Wnt signaling pathway; plus strand). Cytogenetic location: 5q22.2.
Variant type: single nucleotide variant.
Coding change: c.64C>T on transcript NM_001127511.3; coding-DNA position 64, C replaced by T.
Protein change: p.Leu22Phe; replaces leucine 22 with phenylalanine.
Molecular consequence: missense variant. On other transcripts: 5 prime UTR variant (8), non-coding transcript variant (1), intron variant (5).
Genome position (GRCh38, 1-based): chr5:112,707,781, C>T. VCF-style: chr5-112707781-C-T. GRCh37 (hg19) VCF-style: chr5-112043478-C-T.
Other names: c.-120C>T (NM_001354895.2, NM_001407447.1, NM_001407452.1 and 3 more transcripts); c.64C>T, p.Leu22Phe (NM_001354897.2, NM_001354902.2, NM_001407446.1); c.-1155C>T (NM_001407470.1, NM_001407472.1); c.-19+132C>T (NM_001407448.1, NM_001407450.1, NM_001407457.1 and 1 more transcripts); c.-43+132C>T (NM_001407453.1); short protein forms L22F.
Identifiers: ClinVar variation 469796 (VCV000469796.7), dbSNP rs1554060282, ClinGen allele CA360611829.

ClinVar aggregate classification (germline): Uncertain significance (1 of 4 stars; one submission).

Conditions:
Familial adenomatous polyposis 1 (FAP1). Also called: FAMILIAL ADENOMATOUS POLYPOSIS 1, ATTENUATED; POLYPOSIS, ADENOMATOUS INTESTINAL. Identifiers: MedGen C2713442, MONDO:0021056, OMIM 175100. Disease mechanism: loss of function.

Allele frequency attached by ClinVar (database versions not stated): gnomAD exomes 0.00002; TOPMed below 0.00001.
gnomAD v4.1: 20 of 1,370,660 alleles (0.0015%); highest among the groups gnomAD compares: Non-Finnish European, 0.0019%; no homozygotes.

Submission:

Labcorp Genetics (formerly Invitae), Labcorp
Classification: Uncertain significance for Familial adenomatous polyposis 1. Last evaluated: 2025-12-17. Review status: criteria provided, single submitter. Criteria: Invitae Variant Classification Sherloc (09022015). Collection method: clinical testing. Allele origin: germline.
Comment: This variant occurs in a non-coding region of the APC gene. It does not change the encoded amino acid sequence of the APC protein. This variant is not present in population databases (gnomAD no frequency). This variant has not been reported in the literature in individuals affected with APC-related conditions. ClinVar contains an entry for this variant (Variation ID: 469796). Experimental studies and prediction algorithms are not available or were not evaluated, and the functional significance of this variant is currently unknown. In summary, the available evidence is currently insufficient to determine the role of this variant in disease. Therefore, it has been classified as a Variant of Uncertain Significance.